The following is an entry in ClinVar:

ClinVar aggregate classification (germline): Uncertain significance (1 of 4 stars; one submission).

gnomAD v4.1: 1 of 1,613,616 alleles (0.000062%); highest among the groups gnomAD compares: Non-Finnish European, 0.000085%; no homozygotes.

Submission:

Ambry Genetics
Classification: Uncertain significance. Last evaluated: 2025-03-12. Review status: criteria provided, single submitter. Criteria: Ambry Variant Classification Scheme 2023. Collection method: clinical testing. Allele origin: germline.
Comment: The p.D707A variant (also known as c.2120A>C), located in coding exon 8 of the RNF43 gene, results from an A to C substitution at nucleotide position 2120. The aspartic acid at codon 707 is replaced by alanine, an amino acid with dissimilar properties. This amino acid position is conserved. In addition, this alteration is predicted to be tolerated by in silico analysis. Based on the available evidence, the clinical significance of this variant remains unclear.

NM_017763.6(RNF43):c.2120A>C (p.Asp707Ala)

Gene: RNF43 (ring finger protein 43; minus strand). Cytogenetic location: 17q22.
Variant type: single nucleotide variant.
Coding change: c.2120A>C on transcript NM_017763.6 (MANE Select); coding-DNA position 2120, A replaced by C.
Protein change: p.Asp707Ala; replaces aspartic acid 707 with alanine.
Molecular consequence: missense variant.
Genome position (GRCh38, 1-based): chr17:58,357,656, T>G on the plus strand (A>C on the coding strand, the complement: RNF43 is on the minus strand). VCF-style: chr17-58357656-T-G. GRCh37 (hg19) VCF-style: chr17-56435017-T-G.
Other names: c.2120A>C, p.Asp707Ala (NM_001305544.3); c.1739A>C, p.Asp580Ala (NM_001305545.2); short protein forms D580A, D707A.
Identifiers: ClinVar variation 3789976 (VCV003789976.1).